The following is an entry in ClinVar:

ClinVar aggregate classification (germline): Benign/Likely benign. Review status: criteria provided, multiple submitters, no conflicts (2 of 4 stars). 3 submissions from 3 submitters: Benign (1); Likely benign (2). Last evaluated 2024-01-24.

Allele frequency attached by ClinVar (database versions not stated): gnomAD exomes 0.00661; gnomAD 0.01827 and 0.02021; TOPMed 0.03536; 1000 Genomes Project 30x 0.04747; 1000 Genomes Project 0.04752.
gnomAD v4.1: 12,030 of 1,458,958 alleles (0.82%); highest among the groups gnomAD compares: Admixed American, 18%; 876 homozygotes.

Submissions (3):

Unidad de Genómica Garrahan, Hospital de Pediatría Garrahan
Classification: Benign. Last evaluated: 2024-01-24. Review status: criteria provided, single submitter. Criteria: ACMG Guidelines, 2015. Collection method: clinical testing. Allele origin: germline. Affected: no. Observed: 33 variant alleles.
Comment: This variant is classified as Benign based on local population frequency. This variant was detected in 35% of patients studied by a panel of primary immunodeficiencies. Number of patients: 33. Only high quality variants are reported.

GeneDx
Classification: Likely benign. Last evaluated: 2018-09-22. Review status: criteria provided, single submitter. Criteria: GeneDx Variant Classification Process June 2021. Collection method: clinical testing. Allele origin: germline. Affected: yes.

Breakthrough Genomics
Classification: Likely benign. Review status: criteria provided, single submitter. Criteria: ACMG Guidelines, 2015. Collection method: not provided. Allele origin: germline. Inheritance: Autosomal recessive inheritance. Affected: yes.

NM_006904.7(PRKDC):c.6346-105A>G

Gene: PRKDC (protein kinase, DNA-activated, catalytic subunit; minus strand). Cytogenetic location: 8q11.21.
Variant type: single nucleotide variant.
Coding change: c.6346-105A>G on transcript NM_006904.7 (MANE Select); 105 bases into the intron before coding-DNA position 6346, A replaced by G.
Molecular consequence: intron variant.
Genome position (GRCh38, 1-based): chr8:47,858,740, T>C on the plus strand (A>G on the coding strand, the complement: PRKDC is on the minus strand). VCF-style: chr8-47858740-T-C. GRCh37 (hg19) VCF-style: chr8-48771301-T-C.
Other names: c.6346-105A>G (NM_001081640.2).
Identifiers: ClinVar variation 1186304 (VCV001186304.5), dbSNP rs8178148, ClinGen allele CA176170875.
Genomic context (GRCh38, chr8:47,858,740, plus strand): 5'-AATGATACATTTTGATATTATGGGAAAACAAGGACAAAGTAAGACATGAACAAAAAAAAA[T>C]CACATTTATTTGATAAGCAGTTTGGTTTTGTTTTCAATATTAAATGTTCATTCTCAGTAT-3'